The following is an entry in ClinVar:

NM_018671.5(UNC45A):c.1226C>T (p.Ala409Val)

Gene: UNC45A (unc-45 myosin chaperone A; plus strand). Cytogenetic location: 15q26.1.
Variant type: single nucleotide variant.
Coding change: c.1226C>T on transcript NM_018671.5 (MANE Select); coding-DNA position 1226, C replaced by T.
Protein change: p.Ala409Val; replaces alanine 409 with valine.
Molecular consequence: missense variant.
Genome position (GRCh38, 1-based): chr15:90,946,640, C>T. VCF-style: chr15-90946640-C-T. GRCh37 (hg19) VCF-style: chr15-91489870-C-T.
Other names: c.1181C>T, p.Ala394Val (NM_001039675.2, NM_001323621.2); c.1226C>T, p.Ala409Val (NM_001323619.1); c.791C>T, p.Ala264Val (NM_001323620.2); short protein forms A264V, A394V, A409V.
Identifiers: ClinVar variation 1498516 (VCV001498516.6), dbSNP rs1326203522, ClinGen allele CA393856420.

ClinVar aggregate classification (germline): Uncertain significance (1 of 4 stars; one submission).

Allele frequency attached by ClinVar (database versions not stated): gnomAD exomes below 0.00001; TOPMed below 0.00001; gnomAD 0.00001.
gnomAD v4.1: 3 of 1,609,338 alleles (0.00019%); highest among the groups gnomAD compares: African/African-American, 0.0027%; no homozygotes.

Submission:

Labcorp Genetics (formerly Invitae), Labcorp
Classification: Uncertain significance. Last evaluated: 2021-10-21. Review status: criteria provided, single submitter. Criteria: Invitae Variant Classification Sherloc (09022015). Collection method: clinical testing. Allele origin: germline.
Comment: This sequence change replaces alanine with valine at codon 409 of the UNC45A protein (p.Ala409Val). The alanine residue is weakly conserved and there is a small physicochemical difference between alanine and valine. This variant is not present in population databases (ExAC no frequency). This variant has not been reported in the literature in individuals affected with UNC45A-related conditions. Algorithms developed to predict the effect of missense changes on protein structure and function are either unavailable or do not agree on the potential impact of this missense change (SIFT: "Not Available"; PolyPhen-2: "Benign"; Align-GVGD: "Not Available"). In summary, the available evidence is currently insufficient to determine the role of this variant in disease. Therefore, it has been classified as a Variant of Uncertain Significance.